The following is an entry in ClinVar:

NM_001130004.2(ACTN1):c.902T>G (p.Val301Gly)

Gene: ACTN1 (actinin alpha 1; minus strand). Cytogenetic location: 14q24.1.
Variant type: single nucleotide variant.
Coding change: c.902T>G on transcript NM_001130004.2 (MANE Select); coding-DNA position 902, T replaced by G.
Protein change: p.Val301Gly; replaces valine 301 with glycine.
Molecular consequence: missense variant.
Genome position (GRCh38, 1-based): chr14:68,892,237, A>C on the plus strand (T>G on the coding strand, the complement: ACTN1 is on the minus strand). VCF-style: chr14-68892237-A-C. GRCh37 (hg19) VCF-style: chr14-69358954-A-C.
Other names: c.902T>G, p.Val301Gly (NM_001424023.1, NM_001424024.1, NM_001424025.1 and 9 more transcripts); c.707T>G, p.Val236Gly (NM_001424026.1, NM_001424028.1, NM_001411036.1); c.77T>G, p.Val26Gly (NM_001424030.1); c.1028T>G, p.Val343Gly (NM_001424013.1); c.989T>G, p.Val330Gly (NM_001424015.1); c.899T>G, p.Val300Gly (NM_001424017.1); c.839T>G, p.Val280Gly (NM_001424018.1, NM_001424020.1, NM_001424022.1); c.833T>G, p.Val278Gly (NM_001424021.1); short protein forms V236G, V280G, V343G, V278G, V301G, V330G, V300G, V26G.
Identifiers: ClinVar variation 2722767 (VCV002722767.3), dbSNP rs1332404312, ClinGen allele CA390188756.

ClinVar aggregate classification (germline): Uncertain significance (1 of 4 stars; one submission).

Allele frequency attached by ClinVar (database versions not stated): gnomAD exomes below 0.00001; gnomAD 0.00003; TOPMed 0.00003.
gnomAD v4.1: 10 of 1,613,766 alleles (0.00062%); highest among the groups gnomAD compares: African/African-American, 0.012%; no homozygotes.

Submission:

Labcorp Genetics (formerly Invitae), Labcorp
Classification: Uncertain significance. Last evaluated: 2023-11-13. Review status: criteria provided, single submitter. Criteria: Invitae Variant Classification Sherloc (09022015). Collection method: clinical testing. Allele origin: germline.
Comment: This sequence change replaces valine, which is neutral and non-polar, with glycine, which is neutral and non-polar, at codon 301 of the ACTN1 protein (p.Val301Gly). This variant is present in population databases (no rsID available, gnomAD 0.02%). This variant has not been reported in the literature in individuals affected with ACTN1-related conditions. Advanced modeling of protein sequence and biophysical properties (such as structural, functional, and spatial information, amino acid conservation, physicochemical variation, residue mobility, and thermodynamic stability) performed at Invitae indicates that this missense variant is not expected to disrupt ACTN1 protein function with a negative predictive value of 80%. In summary, the available evidence is currently insufficient to determine the role of this variant in disease. Therefore, it has been classified as a Variant of Uncertain Significance.